The following is an entry in ClinVar:

NM_000260.4(MYO7A):c.4167T>G (p.Ala1389=)

Gene: MYO7A (myosin VIIA; plus strand). Cytogenetic location: 11q13.5.
Variant type: single nucleotide variant.
Coding change: c.4167T>G on transcript NM_000260.4 (MANE Select); coding-DNA position 4167, T replaced by G.
Protein change: p.Ala1389=; no amino-acid change (alanine 1389 retained).
Molecular consequence: synonymous variant.
Genome position (GRCh38, 1-based): chr11:77,194,368, T>G. VCF-style: chr11-77194368-T-G. GRCh37 (hg19) VCF-style: chr11-76905413-T-G.
Other names: c.4167T>G, p.Ala1389= (NM_001127180.2); c.4134T>G, p.Ala1378= (NM_001369365.1).
Identifiers: ClinVar variation 2642179 (VCV002642179.24), dbSNP rs2497488785, ClinGen allele CA475796184.

ClinVar aggregate classification (germline): Likely benign (1 of 4 stars; one submission).

Submission:

CeGaT Center for Human Genetics Tuebingen
Classification: Likely benign. Last evaluated: 2023-02-01. Review status: criteria provided, single submitter. Criteria: CeGaT Center For Human Genetics Tuebingen Variant Classification Criteria Version 2. Collection method: clinical testing. Allele origin: germline. Affected: yes. Observed: 1 variant allele.
Comment: MYO7A: PM2:Supporting, BP4, BP7